The following is an entry in ClinVar:

ClinVar aggregate classification (germline): Uncertain significance (1 of 4 stars; one submission).

Conditions:
Leber congenital amaurosis 1 (LCA1). Also called: AMAUROSIS CONGENITA OF LEBER I; RETINAL BLINDNESS, CONGENITAL; Congenital absence of the rods and cones; Leber's congenital tapetoretinal degeneration; Leber's congenital tapetoretinal dysplasia. Identifiers: Orphanet 65, MedGen C2931258, MONDO:0008764, OMIM 204000.
Cone-rod dystrophy 6 (CORD6). Also called: RETINAL CONE DYSTROPHY 2; Cone dystrophy progressive. Identifiers: Orphanet 1872, MedGen C1866293, MONDO:0011143, OMIM 601777.

gnomAD v4.1: 10 of 1,613,890 alleles (0.00062%); highest among the groups gnomAD compares: East Asian, 0.0045%; no homozygotes.

Submission:

Labcorp Genetics (formerly Invitae), Labcorp
Classification: Uncertain significance for Leber congenital amaurosis 1; Cone-rod dystrophy 6. Last evaluated: 2025-03-04. Review status: criteria provided, single submitter. Criteria: Invitae Variant Classification Sherloc (09022015). Collection method: clinical testing. Allele origin: germline.
Comment: This sequence change replaces glutamic acid, which is acidic and polar, with lysine, which is basic and polar, at codon 755 of the GUCY2D protein (p.Glu755Lys). This variant also falls at the last nucleotide of exon 11, which is part of the consensus splice site for this exon. This variant is present in population databases (rs771077016, gnomAD 0.006%). This variant has not been reported in the literature in individuals affected with GUCY2D-related conditions. An algorithm developed to predict the effect of missense changes on protein structure and function (PolyPhen-2) suggests that this variant is likely to be disruptive. Variants that disrupt the consensus splice site are a relatively common cause of aberrant splicing (PMID: 17576681, 9536098). Algorithms developed to predict the effect of sequence changes on RNA splicing suggest that this variant may disrupt the consensus splice site. In summary, the available evidence is currently insufficient to determine the role of this variant in disease. Therefore, it has been classified as a Variant of Uncertain Significance.

Literature cited by the submitters: PubMed 17576681; PubMed 9536098.

NM_000180.4(GUCY2D):c.2263G>A (p.Glu755Lys)

Gene: GUCY2D (guanylate cyclase 2D, retinal; plus strand). Cytogenetic location: 17p13.1.
Variant type: single nucleotide variant.
Coding change: c.2263G>A on transcript NM_000180.4 (MANE Select); coding-DNA position 2263, G replaced by A.
Protein change: p.Glu755Lys; replaces glutamic acid 755 with lysine.
Molecular consequence: missense variant.
Genome position (GRCh38, 1-based): chr17:8,013,252, G>A. VCF-style: chr17-8013252-G-A. GRCh37 (hg19) VCF-style: chr17-7916570-G-A.
Other names: short protein forms E755K.
Identifiers: ClinVar variation 4791279 (VCV004791279.1).